The following is an entry in ClinVar:

ClinVar aggregate classification (germline): Likely benign (0 of 4 stars; one submission).

Conditions:
DNAH6-related disorder. Also called: DNAH6-related condition.

Allele frequency attached by ClinVar (database versions not stated): ExAC 0.00009; 1000 Genomes Project 0.00020; 1000 Genomes Project 30x 0.00031.
gnomAD v4.1: 67 of 1,551,112 alleles (0.0043%); highest among the groups gnomAD compares: African/African-American, 0.045%; no homozygotes.

Submission:

PreventionGenetics, part of Exact Sciences
Classification: Likely benign for DNAH6-related condition. Last evaluated: 2019-08-21. Review status: no assertion criteria provided. Collection method: clinical testing. Allele origin: germline.
Comment: This variant is classified as likely benign based on ACMG/AMP sequence variant interpretation guidelines (Richards et al. 2015 PMID: 25741868, with internal and published modifications).

NM_001370.2(DNAH6):c.4926C>T (p.Tyr1642=)

Gene: DNAH6 (dynein axonemal heavy chain 6; plus strand). Cytogenetic location: 2p11.2.
Variant type: single nucleotide variant.
Coding change: c.4926C>T on transcript NM_001370.2 (MANE Select); coding-DNA position 4926, C replaced by T.
Protein change: p.Tyr1642=; no amino-acid change (tyrosine 1642 retained).
Molecular consequence: synonymous variant.
Genome position (GRCh38, 1-based): chr2:84,640,534, C>T. VCF-style: chr2-84640534-C-T. GRCh37 (hg19) VCF-style: chr2-84867658-C-T.
Identifiers: ClinVar variation 3052980 (VCV003052980.2), dbSNP rs184617830, ClinGen allele CA1737188.